The following is an entry in ClinVar:

NM_000179.3(MSH6):c.1969del (p.Gln657fs)

Gene: MSH6 (mutS homolog 6; plus strand). Cytogenetic location: 2p16.3.
Variant type: Deletion.
Coding change: c.1969del on transcript NM_000179.3 (MANE Select); coding-DNA position 1969, one base deleted (C; older notation c.1969delC).
Protein change: p.Gln657fs; shifts the reading frame from glutamine 657.
Molecular consequence: frameshift variant.
Genome position (GRCh38, 1-based): chr2:47,799,952, C deleted; the last of 4 consecutive C bases (chr2:47,799,949-47,799,952); deleting any one gives the same sequence. VCF-style (leftmost placement, unchanged base first): chr2-47799948-AC-A. GRCh37 (hg19) VCF-style: chr2-48027087-AC-A.
Other names: c.1579del, p.Gln527fs (NM_001281492.2); c.1063del, p.Gln355fs (NM_001281493.2, NM_001281494.2); c.1969delC (NM_000179.2); short protein forms Q657fs, Q355fs, Q527fs.
Identifiers: ClinVar variation 234761 (VCV000234761.21), dbSNP rs876661205, ClinGen allele CA10577268.

ClinVar aggregate classification (germline): Pathogenic. Review status: criteria provided, multiple submitters, no conflicts (2 of 4 stars). 8 submissions from 8 submitters: Pathogenic (8). Last evaluated 2024-07-10.

Conditions:
Hereditary cancer-predisposing syndrome. Also called: Hereditary neoplastic syndrome; Hereditary Cancer Syndrome; Neoplastic Syndromes, Hereditary; Tumor predisposition. Identifiers: Orphanet 140162, MedGen C0027672, MeSH D009386, MONDO:0015356.
Hereditary nonpolyposis colorectal neoplasms. Identifiers: MedGen C0009405, MeSH D003123.
Lynch syndrome. Identifiers: Orphanet 144, MedGen C4552100, MONDO:0005835. Disease mechanism: loss of function.
Lynch syndrome 5 (LYNCH5). Also called: Hereditary non-polyposis colorectal cancer, type 5; Colorectal cancer, hereditary nonpolyposis, type 5. Identifiers: Orphanet 144, MedGen C1833477, MONDO:0013710, OMIM 614350. Disease mechanism: loss of function.
Endometrial carcinoma. Also called: Endometrial carcinoma, somatic. Identifiers: MedGen C0476089, MONDO:0002447, OMIM 608089, HP:0012114.

Submissions (8):

All of Us Research Program, National Institutes of Health
Classification: Pathogenic for Lynch syndrome. Last evaluated: 2024-07-10. Review status: criteria provided, single submitter. Criteria: ACMG Guidelines, 2015. Collection method: clinical testing. Allele origin: germline. Inheritance: Autosomal dominant inheritance. Observed: 1 variant allele, 1 heterozygote.
Comment: This variant deletes 1 nucleotide in exon 4 of the MSH6 gene, creating a frameshift and premature translation stop signal. This variant is expected to result in an absent or non-functional protein product. This variant has not been identified in the general population by the Genome Aggregation Database (gnomAD). Loss of MSH6 function is a known mechanism of disease. Based on the available evidence, this variant is classified as Pathogenic.

This study involves interpretation of variants in research participants for the purpose of population health screening. Participant phenotype was not available at the time of variant classification. Additional details can be found in publication PMID: 35346344, PMCID: PMC8962531

Ambry Genetics
Classification: Pathogenic for Hereditary cancer-predisposing syndrome. Last evaluated: 2024-05-28. Review status: criteria provided, single submitter. Criteria: Ambry Variant Classification Scheme 2023. Collection method: clinical testing. Allele origin: germline.
Comment: The c.1969delC pathogenic mutation, located in coding exon 4 of the MSH6 gene, results from a deletion of one nucleotide at nucleotide position 1969, causing a translational frameshift with a predicted alternate stop codon (p.Q657Rfs*6). This mutation has also been identified in an individual with breast and thyroid cancer (Roberts ME et al. Genet Med 2018 10;20(10):1167-1174). This variant is considered to be rare based on population cohorts in the Genome Aggregation Database (gnomAD). This alteration is expected to result in loss of function by premature protein truncation or nonsense-mediated mRNA decay. As such, this alteration is interpreted as a disease-causing mutation.

Color Diagnostics, LLC DBA Color Health
Classification: Pathogenic for Hereditary cancer-predisposing syndrome. Last evaluated: 2024-04-03. Review status: criteria provided, single submitter. Criteria: ACMG Guidelines, 2015. Collection method: clinical testing. Allele origin: germline.
Comment: This variant deletes 1 nucleotide in exon 4 of the MSH6 gene, creating a frameshift and premature translation stop signal. This variant is expected to result in an absent or non-functional protein product. This variant has not been identified in the general population by the Genome Aggregation Database (gnomAD). Loss of MSH6 function is a known mechanism of disease. Based on the available evidence, this variant is classified as Pathogenic.

Labcorp Genetics (formerly Invitae), Labcorp
Classification: Pathogenic for Hereditary nonpolyposis colorectal neoplasms. Last evaluated: 2024-03-02. Review status: criteria provided, single submitter. Criteria: Invitae Variant Classification Sherloc (09022015). Collection method: clinical testing. Allele origin: germline.
Comment: This sequence change creates a premature translational stop signal (p.Gln657Argfs*6) in the MSH6 gene. It is expected to result in an absent or disrupted protein product. Loss-of-function variants in MSH6 are known to be pathogenic (PMID: 18269114, 24362816). This variant is not present in population databases (gnomAD no frequency). This premature translational stop signal has been observed in individual(s) with endometrial cancer (PMID: 26552419). ClinVar contains an entry for this variant (Variation ID: 234761). For these reasons, this variant has been classified as Pathogenic.

Baylor Genetics
Classification: Pathogenic for Endometrial carcinoma. Last evaluated: 2023-10-12. Review status: criteria provided, single submitter. Criteria: ACMG Guidelines, 2015. Collection method: clinical testing. Allele origin: unknown.

Quest Diagnostics Nichols Institute San Juan Capistrano
Classification: Pathogenic. Last evaluated: 2023-09-08. Review status: criteria provided, single submitter. Criteria: Quest Diagnostics criteria. Collection method: clinical testing. Allele origin: unknown.
Comment: The MSH6 c.1969del (p.Gln657Argfs*6) variant alters the translational reading frame of the MSH6 mRNA and causes the premature termination of MSH6 protein synthesis. This variant has been reported in the published literature in an individual with endometrial cancer who was suspected of having Lynch syndrome (PMID: 26552419 (2015)). It has also been observed in an individual with personal history of breast and thyroid cancer (PMDI: 29345684 (2018)). This variant has not been reported in large, multi-ethnic general populations (Genome Aggregation Database). Based on the available information, this variant is classified as pathogenic.

Myriad Genetics, Inc.
Classification: Pathogenic for Lynch syndrome 5. Last evaluated: 2023-08-16. Review status: criteria provided, single submitter. Criteria: Myriad Autosomal Dominant, Autosomal Recessive and X-Linked Classification Criteria (2023). Collection method: clinical testing. Allele origin: unknown.
Comment: This variant is considered pathogenic. This variant creates a frameshift predicted to result in premature protein truncation.

GeneDx
Classification: Pathogenic. Last evaluated: 2018-07-27. Review status: criteria provided, single submitter. Criteria: GeneDx Variant Classification (06012015). Collection method: clinical testing. Allele origin: germline. Affected: yes.
Comment: This deletion of one nucleotide in MSH6 is denoted c.1969delC at the cDNA level and p.Gln657ArgfsX6 (Q657RfsX6) at the protein level. The normal sequence, with the base that is deleted in braces, is ACCC[C]AGGT. The deletion causes a frameshift, which changes a Glutamine to an Arginine at codon 657, and creates a premature stop codon at position 6 of the new reading frame. This variant is predicted to cause loss of normal protein function through either protein truncation or nonsense-mediated mRNA decay. We consider this variant to be pathogenic.

Literature cited by the submitters: PubMed 26552419 (cited by 5 submitters); PubMed 29345684 (cited by 3 submitters); PubMed 18269114 (cited by Labcorp Genetics (formerly Invitae), Labcorp); PubMed 24362816 (cited by Labcorp Genetics (formerly Invitae), Labcorp).